The following is an entry in ClinVar:

NM_002499.4(NEO1):c.1338G>A (p.Val446=)

Gene: NEO1 (neogenin 1; plus strand). Cytogenetic location: 15q24.1.
Variant type: single nucleotide variant.
Coding change: c.1338G>A on transcript NM_002499.4 (MANE Select); coding-DNA position 1338, G replaced by A.
Protein change: p.Val446=; no amino-acid change (valine 446 retained).
Molecular consequence: synonymous variant.
Genome position (GRCh38, 1-based): chr15:73,236,393, G>A. VCF-style: chr15-73236393-G-A. GRCh37 (hg19) VCF-style: chr15-73528734-G-A.
Other names: c.1338G>A, p.Val446= (NM_001172623.2, NM_001172624.2); c.1398G>A, p.Val466= (NM_001419531.1).
Identifiers: ClinVar variation 3031088 (VCV003031088.2), dbSNP rs760526840, ClinGen allele CA7647861.

ClinVar aggregate classification (germline): Likely benign (0 of 4 stars; one submission).

Conditions:
NEO1-related disorder. Also called: NEO1-related condition.

Allele frequency attached by ClinVar (database versions not stated): gnomAD exomes below 0.00001; ExAC 0.00001; gnomAD 0.00001.
gnomAD v4.1: 5 of 1,613,958 alleles (0.00031%); highest among the groups gnomAD compares: African/African-American, 0.0053%; no homozygotes.

Submission:

PreventionGenetics, part of Exact Sciences
Classification: Likely benign for NEO1-related condition. Last evaluated: 2023-07-30. Review status: no assertion criteria provided. Collection method: clinical testing. Allele origin: germline.
Comment: This variant is classified as likely benign based on ACMG/AMP sequence variant interpretation guidelines (Richards et al. 2015 PMID: 25741868, with internal and published modifications).